The following is an entry in ClinVar:

NM_170675.5(MEIS2):c.640-29G>A

Gene: MEIS2 (Meis homeobox 2; minus strand). Cytogenetic location: 15q14.
Variant type: single nucleotide variant.
Coding change: c.640-29G>A on transcript NM_170675.5 (MANE Select); 29 bases into the intron before coding-DNA position 640, G replaced by A.
Molecular consequence: intron variant.
Genome position (GRCh38, 1-based): chr15:37,083,914, C>T on the plus strand (G>A on the coding strand, the complement: MEIS2 is on the minus strand). VCF-style: chr15-37083914-C-T. GRCh37 (hg19) VCF-style: chr15-37376115-C-T.
Other names: c.601-29G>A (NM_002399.4, NM_172315.3); c.640-29G>A (NM_001220482.2, NM_170676.5, NM_170674.5 and 1 more transcripts); c.376-29G>A (NM_172316.3).
Identifiers: ClinVar variation 3872210 (VCV003872210.1).
Genomic context (GRCh38, chr15:37,083,914, plus strand): 5'-GCATCATCGTGGTCTCGCCAAGAAGAAGGGTTCTGATGTCAGGATACCAAGGAATTTTTC[C>T]ACAGTTACCATTTCAGCCATCAATGAAGAACCAAAAGGAACGGCACAGAAAGAGACAAAA-3'

ClinVar aggregate classification (germline): Uncertain significance (1 of 4 stars; one submission).

Conditions:
Inborn genetic diseases. Identifiers: MedGen C0950123, MeSH D030342.

Submission:

Ambry Genetics
Classification: Uncertain significance for Inborn genetic diseases. Last evaluated: 2025-02-26. Review status: criteria provided, single submitter. Criteria: Ambry Variant Classification Scheme 2023. Collection method: clinical testing. Allele origin: germline.
Comment: The c.640-29G>A intronic alteration results from a G to A substitution 29 nucleotides before coding exon 7 of the MEIS2 gene. This variant was not reported in population-based cohorts in the Genome Aggregation Database (gnomAD). This nucleotide position is highly conserved in available vertebrate species. In silico splice site analysis predicts that this alteration may weaken the native splice acceptor site and will result in the creation or strengthening of a novel splice acceptor site. Based on insufficient or conflicting evidence, the clinical significance of this alteration remains unclear.